The following is an entry in ClinVar:

ClinVar aggregate classification (germline): Likely pathogenic (1 of 4 stars; one submission).

Conditions:
Hypertrophic cardiomyopathy. Also called: HYPERTROPHIC MYOCARDIOPATHY. Identifiers: Orphanet 217569, MedGen C0007194, MeSH D002312, MONDO:0005045, HP:0001639.

Submission:

Labcorp Genetics (formerly Invitae), Labcorp
Classification: Likely pathogenic for Hypertrophic cardiomyopathy. Last evaluated: 2018-02-23. Review status: criteria provided, single submitter. Criteria: Invitae Variant Classification Sherloc (09022015). Collection method: clinical testing. Allele origin: germline.
Comment: This sequence change is a complex rearrangement involving exons 13-17. It does not change the copy number of any exons. Although the exact nature of the event is unknown, it likely involves a large inversion in this region. It is unclear how this variant affects the MYBPC3 protein, although it is likely disruptive. This variant has not been reported in the literature in individuals with MYBPC3-related disease. In summary, the currently available evidence indicates that the variant is pathogenic, but additional data are needed to prove that conclusively. Therefore, this variant has been classified as Likely Pathogenic.

NM_000256.3(MYBPC3):c.1684_1698delinsCCCTGCTCCCCCAGGCCAAGCTACTGTGGCTGCTCCACCCGAGCCCCCCTCCCCACCCCAGGCTGCACCTGCCGCTCATCTGGATCTCCTGGCCATTCTTGAGCCATTTGACCTCAGCGTCATGGTCAGCCAGTTCCACGGTCAGCCGGATCTTGTGGCCTTTGCTCACCTGGTAGGCCGGCTCCAGCTTCTTCTGAAAGGCTGAGCACCACCCCTCAGCCCCGGCCACCCCACCGCCCGCACCCTGCTCCCCCAGGCCAAGCTACTGTGGCTGCTGGTCCTTTGCGCCCACCATCAGGTCTGCGATGCTCTGGTACACCTCCAGCTTCTTTTCTGCAGGGCAGGGCAGAGCCATTGAGCTCGGGAGGGTGTGTGGGTGTGGCGTGAATCCCTGTGGAGGGCGTGTGGGCCCATGGGCGCTGGTGCGCACGTGTCTGGGTGCATGTGGGCATGTGAAAACACGTGTGCCTGTGTGTGCCATGTTTGCCTGTGATGGTGCAGTGCACATAAGGAACCTCAAGTGTCTGAGGGGTGGTGATGCTCACCAGGCCCGTATGACCCTCTCAGTACCCTCTGGAGCGGTCACCTCAGCATCGTCATTTTAGAGATGAGAAGGATGAGGTTTAG (p.Ala562_Cys566delinsProCysSerProArgProSerTyrCysGlyCysSerThrArgAlaProLeuProThrProGlyCysThrCysArgSerSerGlySerProGlyHisSerTer)

Gene: MYBPC3 (myosin binding protein C3; minus strand). Cytogenetic location: 11p11.2.
Variant type: Indel.
Coding change: c.1684_1698delinsCCCTGCTCCCCCAGGCCAAGCTACTGTGGCTGCTCCACCCGAGCCCCCCTCCCCACCCCAGGCTGCACCTGCCGCTCATCTGGATCTCCTGGCCATTCTTGAGCCATTTGACCTCAGCGTCATGGTCAGCCAGTTCCACGGTCAGCCGGATCTTGTGGCCTTTGCTCACCTGGTAGGCCGGCTCCAGCTTCTTCTGAAAGGCTGAGCACCACCCCTCAGCCCCGGCCACCCCACCGCCCGCACCCTGCTCCCCCAGGCCAAGCTACTGTGGCTGCTGGTCCTTTGCGCCCACCATCAGGTCTGCGATGCTCTGGTACACCTCCAGCTTCTTTTCTGCAGGGCAGGGCAGAGCCATTGAGCTCGGGAGGGTGTGTGGGTGTGGCGTGAATCCCTGTGGAGGGCGTGTGGGCCCATGGGCGCTGGTGCGCACGTGTCTGGGTGCATGTGGGCATGTGAAAACACGTGTGCCTGTGTGTGCCATGTTTGCCTGTGATGGTGCAGTGCACATAAGGAACCTCAAGTGTCTGAGGGGTGGTGATGCTCACCAGGCCCGTATGACCCTCTCAGTACCCTCTGGAGCGGTCACCTCAGCATCGTCATTTTAGAGATGAGAAGGATGAGGTTTAG on transcript NM_000256.3 (MANE Select); coding-DNA positions 1684 to 1698, the reference bases replaced by an inserted sequence.
Protein change: p.Ala562_Cys566delinsProCysSerProArgProSerTyrCysGlyCysSerThrArgAlaProLeuProThrProGlyCysThrCysArgSerSerGlySerProGlyHisSerTer.
Molecular consequence: nonsense.
Genome position (GRCh38, 1-based): chr11:47,342,083-47,342,097, 15 bases replaced. GRCh37 (hg19): chr11:47,363,634-47,363,648.
Other names: c.1684_1698delGCGGTGTTCAAATGTinsCCCTGCTCCCCCAGGCCAAGCTACTGTGGCTGCTCCACCCGAGCCCCCCTCCCCACCCCAGGCTGCACCTGCCGCTCATCTGGATCTCCTGGCCATTCTTGAGCCATTTGACCTCAGCGTCATGGTCAGCCAGTTCCACGGTCAGCCGGATCTTGTGGCCTTTGCTCACCTGGTAGGCCGGCTCCAGCTTCTTCTGAAAGGCTGAGCACCACCCCTCAGCCCCGGCCACCCCACCGCCCGCACCCTGCTCCCCCAGGCCAAGCTACTGTGGCTGCTGGTCCTTTGCGCCCACCATCAGGTCTGCGATGCTCTGGTACACCTCCAGCTTCTTTTCTGCAGGGCAGGGCAGAGCCATTGAGCTCGGGAGGGTGTGTGGGTGTGGCGTGAATCCCTGTGGAGGGCGTGTGGGCCCATGGGCGCTGGTGCGCACGTGTCTGGGTGCATGTGGGCATGTGAAAACACGTGTGCCTGTGTGTGCCATGTTTGCCTGTGATGGTGCAGTGCACATAAGGAACCTCAAGTGTCTGAGGGGTGGTGATGCTCACCAGGCCCGTATGACCCTCTCAGTACCCTCTGGAGCGGTCACCTCAGCATCGTCATTTTAGAGATGAGAAGGATGAGGTTTAG (NM_000256.3).
Identifiers: ClinVar variation 570272 (VCV000570272.1), dbSNP rs1565627566, ClinGen allele CA915948156.